The following is an entry in ClinVar:

NM_001291303.3(FAT4):c.8111A>G (p.Gln2704Arg)

Gene: FAT4 (FAT atypical cadherin 4; plus strand). Cytogenetic location: 4q28.1.
Variant type: single nucleotide variant.
Coding change: c.8111A>G on transcript NM_001291303.3 (MANE Select); coding-DNA position 8111, A replaced by G.
Protein change: p.Gln2704Arg; replaces glutamine 2704 with arginine.
Molecular consequence: missense variant.
Genome position (GRCh38, 1-based): chr4:125,449,121, A>G. VCF-style: chr4-125449121-A-G. GRCh37 (hg19) VCF-style: chr4-126370276-A-G.
Other names: c.8111A>G, p.Gln2704Arg (NM_001291285.3); c.8105A>G, p.Gln2702Arg (NM_024582.6); short protein forms Q2702R, Q2704R.
Identifiers: ClinVar variation 3255127 (VCV003255127.1), dbSNP rs1475959700.

ClinVar aggregate classification (germline): Uncertain significance (1 of 4 stars; one submission).

Conditions:
Van Maldergem syndrome 2 (VMLDS2). Identifiers: Orphanet 314679, MedGen C3809875, MONDO:0014242, OMIM 615546.

Submission:

Victorian Clinical Genetics Services, Murdoch Childrens Research Institute
Classification: Uncertain significance for Van Maldergem syndrome 2. Last evaluated: 2023-07-16. Review status: criteria provided, single submitter. Criteria: ACMG Guidelines, 2015. Collection method: clinical testing. Allele origin: germline. Inheritance: Autosomal recessive inheritance. Affected: yes.
Comment: Based on the classification scheme VCGS_Germline_v1.3.4, this variant is classified as VUS-3C. Following criteria are met: 0102 - Loss of function is a known mechanism of disease in this gene and is associated with Hennekam lymphangiectasia-lymphedema syndrome 2 (MIM#616006) and Van Maldergem syndrome 2 (MIM#615546). (I) 0106 - This gene is associated with autosomal recessive disease. (I) 0200 - Variant is predicted to result in a missense amino acid change from glutamine to arginine. (I) 0251 - This variant is heterozygous. (I) 0301 - Variant is absent from gnomAD (both v2 and v3). (SP) 0309 - An alternative amino acid change at the same position has been observed in gnomAD (v2) (1 heterozygote, 0 homozygotes). (I) 0503 - Missense variant consistently predicted to be tolerated by multiple in silico tools or not conserved in placental mammals with a minor amino acid change. (SB) 0600 - Variant is located in the annotated cadherin tandem repeat domain (NCBI conserved domains). (I) 0705 - No comparable missense variants have previous evidence for pathogenicity. (I) 0807 - This variant has no previous evidence of pathogenicity. (I) 0905 - No published segregation evidence has been identified for this variant. (I) 1007 - No published functional evidence has been identified for this variant. (I) 1208 - Inheritance information for this variant is not currently available in this individual. (I) Legend: (SP) - Supporting pathogenic, (I) - Information, (SB) - Supporting benign